The following is an entry in ClinVar:

NM_000089.4(COL1A2):c.2673+1G>T

Gene: COL1A2 (collagen type I alpha 2 chain; plus strand). Cytogenetic location: 7q21.3.
Variant type: single nucleotide variant.
Coding change: c.2673+1G>T on transcript NM_000089.4 (MANE Select); the canonical splice donor site of the intron after coding-DNA position 2673, G replaced by T.
Molecular consequence: splice donor variant.
Genome position (GRCh38, 1-based): chr7:94,424,444, G>T. VCF-style: chr7-94424444-G-T. GRCh37 (hg19) VCF-style: chr7-94053756-G-T.
Identifiers: ClinVar variation 1709491 (VCV001709491.1), dbSNP rs1085307477, ClinGen allele CA368224382.

ClinVar aggregate classification (germline): Pathogenic (1 of 4 stars; one submission).

Conditions:
Osteogenesis imperfecta type I (OI1). Also called: Lobstein's Disease; Osteogenesis imperfecta type 1; Lobstein disease; OI, TYPE I; OSTEOGENESIS IMPERFECTA TARDA; OSTEOGENESIS IMPERFECTA WITH BLUE SCLERAE. Identifiers: Orphanet 216796, Orphanet 666, MedGen C0023931, MONDO:0008146, OMIM 166200. Disease mechanism: loss of function.

Submission:

MGZ Medical Genetics Center
Classification: Pathogenic for Osteogenesis imperfecta type I. Last evaluated: 2022-05-06. Review status: criteria provided, single submitter. Criteria: ACMG Guidelines, 2015. Collection method: clinical testing. Allele origin: germline. Affected: yes. Observed: 1 variant allele.
Comment: ACMG criteria applied: PVS1, PS2_MOD, PM2_SUP